The following is an entry in ClinVar:

ClinVar aggregate classification (germline): Benign/Likely benign. Review status: criteria provided, multiple submitters, no conflicts (2 of 4 stars). 8 submissions from 8 submitters: Benign (2); Likely benign (2). 4 of the submissions do not count toward it. Last evaluated 2026-02-04.

Conditions:
Epidermolysis bullosa dystrophica inversa, autosomal recessive. Identifiers: MedGen C2673612.
Epidermolysis bullosa dystrophica. Also called: Dystrophic epidermolysis bullosa, Hallopeau-Siemens type (formerly); Dystrophic epidermolysis bullosa. Identifiers: Orphanet 303, MedGen C0079294, MONDO:0006543.

Allele frequency attached by ClinVar (database versions not stated): 1000 Genomes Project 0.00120; 1000 Genomes Project 30x 0.00141; ESP Exome Variant Server 0.00167; ExAC 0.00268; gnomAD 0.00308 and 0.00343; gnomAD exomes 0.00320; TOPMed 0.00358.
gnomAD v4.1: 7,397 of 1,554,092 alleles (0.48%); highest among the groups gnomAD compares: Non-Finnish European, 0.58%; 28 homozygotes.

Submissions (8):

Labcorp Genetics (formerly Invitae), Labcorp
Classification: Benign. Last evaluated: 2026-02-04. Review status: criteria provided, single submitter. Criteria: Invitae Variant Classification Sherloc (09022015). Collection method: clinical testing. Allele origin: germline.

Mayo Clinic Laboratories, Mayo Clinic
Classification: Benign. Last evaluated: 2025-07-23. Review status: criteria provided, single submitter. Criteria: ACMG Guidelines, 2015. Collection method: clinical testing. Allele origin: germline. Observed: 1 variant allele.
Comment: BS1, BS2, BP4, BP7

CeGaT Center for Human Genetics Tuebingen
Classification: Likely benign. Last evaluated: 2024-12-01. Review status: criteria provided, single submitter. Criteria: CeGaT Center For Human Genetics Tuebingen Variant Classification Criteria Version 2. Collection method: clinical testing. Allele origin: germline. Affected: yes. Observed: 4 variant alleles.
Comment: COL7A1: BP4, BP7, BS2

Illumina Laboratory Services, Illumina
Classification: Likely benign for Dystrophic epidermolysis bullosa. Last evaluated: 2018-01-12. Review status: criteria provided, single submitter. Criteria: ICSL Variant Classification Criteria 13 December 2019. Collection method: clinical testing. Allele origin: germline.
Comment: This variant was observed in the ICSL laboratory as part of a predisposition screen in an ostensibly healthy population. It had not been previously curated by ICSL or reported in the Human Gene Mutation Database (HGMD: prior to June 1st, 2018), and was therefore a candidate for classification through an automated scoring system. Utilizing variant allele frequency, disease prevalence and penetrance estimates, and inheritance mode, an automated score was calculated to assess if this variant is too frequent to cause the disease. Based on the score and internal cut-off values, a variant classified as likely benign is not then subjected to further curation. The score for this variant resulted in a classification of likely benign for this disease.

Natera, Inc.
Classification: Benign for Autosomal recessive epidermolysis bullosa dystrophica inversa. Last evaluated: 2020-09-16. Review status: no assertion criteria provided. Collection method: clinical testing. Allele origin: germline. Not counted in ClinVar's aggregate classification.

Clinical Genetics DNA and cytogenetics Diagnostics Lab, Erasmus MC, Erasmus Medical Center
Classification: Likely benign. Review status: no assertion criteria provided. Collection method: clinical testing. Allele origin: germline. Affected: yes. Study: VKGL Data-share Consensus. Not counted in ClinVar's aggregate classification.

Diagnostic Laboratory, Department of Genetics, University Medical Center Groningen
Classification: Likely benign. Review status: no assertion criteria provided. Collection method: clinical testing. Allele origin: germline. Affected: yes. Study: VKGL Data-share Consensus. Not counted in ClinVar's aggregate classification.

Genome Diagnostics Laboratory, Amsterdam University Medical Center
Classification: Likely benign. Review status: no assertion criteria provided. Collection method: clinical testing. Allele origin: germline. Affected: yes. Study: VKGL Data-share Consensus. Not counted in ClinVar's aggregate classification.

NM_000094.4(COL7A1):c.54G>C (p.Ala18=)

Gene: COL7A1 (collagen type VII alpha 1 chain; minus strand). Cytogenetic location: 3p21.31.
Variant type: single nucleotide variant.
Coding change: c.54G>C on transcript NM_000094.4 (MANE Select); coding-DNA position 54, G replaced by C.
Protein change: p.Ala18=; no amino-acid change (alanine 18 retained).
Molecular consequence: synonymous variant.
Genome position (GRCh38, 1-based): chr3:48,595,106, C>G on the plus strand (G>C on the coding strand, the complement: COL7A1 is on the minus strand). VCF-style: chr3-48595106-C-G. GRCh37 (hg19) VCF-style: chr3-48632539-C-G.
Other names: p.Ala18=.
Identifiers: ClinVar variation 782984 (VCV000782984.56), dbSNP rs35899847, ClinGen allele CA2381675.